The following is an entry in ClinVar:

ClinVar aggregate classification (germline): Pathogenic/Likely pathogenic. Review status: criteria provided, multiple submitters, no conflicts (2 of 4 stars). 2 submissions from 2 submitters: Pathogenic (1); Likely pathogenic (1). Last evaluated 2023-03-24.

Conditions:
MAPKBP1-related disorder. Also called: MAPKBP1-related condition.
Nephronophthisis 20 (NPHP20). Identifiers: MedGen C4310640, MONDO:0014997, OMIM 617271.

Submissions (2):

PreventionGenetics, part of Exact Sciences
Classification: Likely pathogenic for MAPKBP1-related condition. Last evaluated: 2023-03-24. Review status: criteria provided, single submitter. Criteria: ACMG Guidelines, 2015. Collection method: clinical testing. Allele origin: germline.
Comment: The MAPKBP1 c.1288_1289delAG variant is predicted to result in a frameshift and premature protein termination (p.Ser431Argfs*15). To our knowledge, this variant has not been reported in the literature or in a large population database, indicating this variant is rare. Frameshift variants in MAPKBP1 are expected to be pathogenic. This variant is interpreted as likely pathogenic.

3billion
Classification: Pathogenic for Nephronophthisis 20. Last evaluated: 2022-03-22. Review status: criteria provided, single submitter. Criteria: ACMG Guidelines, 2015. Collection method: clinical testing. Allele origin: germline. Affected: yes. Observed: 1 homozygote.
Comment: Frameshift: predicted to result in a loss or disruption of normal protein function through nonsense-mediated decay (NMD) or protein truncation. Multiple pathogenic variants are reported downstream of the variant.It is not observed in the gnomAD v2.1.1 dataset. Therefore, this variant is classified as pathogenic according to the recommendation of ACMG/AMP guideline.

NM_014994.3(MAPKBP1):c.1270_1271del (p.Ser424fs)

Gene: MAPKBP1 (mitogen-activated protein kinase binding protein 1; plus strand). Cytogenetic location: 15q15.1.
Variant type: Microsatellite.
Coding change: c.1270_1271del on transcript NM_014994.3 (MANE Select); coding-DNA positions 1270 to 1271, 2 bases deleted (AG; older notation c.1270_1271delAG).
Protein change: p.Ser424fs; shifts the reading frame from serine 424.
Molecular consequence: frameshift variant. On other transcripts: non-coding transcript variant (1).
Genome position (GRCh38, 1-based): chr15:41,815,358-41,815,359, AG deleted; deleting any 2 consecutive bases within chr15:41,815,354-41,815,359 gives the same sequence; the c. name uses the placement nearest the transcript's 3' end. VCF-style (leftmost placement, unchanged base first): chr15-41815353-CAG-C. GRCh37 (hg19) VCF-style: chr15-42107551-CAG-C.
Other names: c.1288_1289del, p.Ser430fs (NM_001128608.2); c.1270_1271del, p.Ser424fs (NM_001265611.2); c.1288_1289delAG (NM_001128608.1); short protein forms S424fs, S430fs.
Identifiers: ClinVar variation 1526225 (VCV001526225.2), dbSNP rs2152080114, ClinGen allele CA2580613794.